The following is an entry in ClinVar:

NM_004655.4(AXIN2):c.1294G>C (p.Glu432Gln)

Gene: AXIN2 (axin 2; minus strand). Cytogenetic location: 17q24.1.
Variant type: single nucleotide variant.
Coding change: c.1294G>C on transcript NM_004655.4 (MANE Select); coding-DNA position 1294, G replaced by C.
Protein change: p.Glu432Gln; replaces glutamic acid 432 with glutamine.
Molecular consequence: missense variant.
Genome position (GRCh38, 1-based): chr17:65,537,742, C>G on the plus strand (G>C on the coding strand, the complement: AXIN2 is on the minus strand). VCF-style: chr17-65537742-C-G. GRCh37 (hg19) VCF-style: chr17-63533860-C-G.
Other names: c.1294G>C (LRG_296t1); c.1294G>C, p.Glu432Gln (NM_001363813.1); short protein forms E432Q.
Identifiers: ClinVar variation 651999 (VCV000651999.8), dbSNP rs751843834, ClinGen allele CA400677801.
Genomic context (GRCh38, chr17:65,537,742, plus strand): 5'-AGCCAGGGGTCTTGAGGACCCTGGACAGGTGATCGTCCAGTATCGTCTGCGGGTCTTCCT[C>G]GTAGCTGCCGGAGGGCAGTAGGGAGAGGGGGTGCTGCGTGGGCGCCCCCTCCCGCGAATT-3'
Protein context (NP_004646.3, residues 422-442): PLSLLPSGSY[Glu432Gln]EDPQTILDDH

ClinVar aggregate classification (germline): Uncertain significance (1 of 4 stars; one submission).

Conditions:
Oligodontia-cancer predisposition syndrome. Also called: TOOTH AGENESIS-COLORECTAL CANCER SYNDROME. Identifiers: Orphanet 300576, MedGen C1837750, MONDO:0012075, OMIM 608615. Disease mechanism: loss of function.

Submission:

Labcorp Genetics (formerly Invitae), Labcorp
Classification: Uncertain significance for Oligodontia-cancer predisposition syndrome. Last evaluated: 2018-07-28. Review status: criteria provided, single submitter. Criteria: Invitae Variant Classification Sherloc (09022015). Collection method: clinical testing. Allele origin: germline.
Comment: This variant has not been reported in the literature in individuals with AXIN2-related disease. In summary, the available evidence is currently insufficient to determine the role of this variant in disease. Therefore, it has been classified as a Variant of Uncertain Significance. Algorithms developed to predict the effect of missense changes on protein structure and function are either unavailable or do not agree on the potential impact of this missense change (SIFT: "Deleterious"; PolyPhen-2: "Probably Damaging"; Align-GVGD: "Class C0"). This variant is not present in population databases (ExAC no frequency). This sequence change replaces glutamic acid with glutamine at codon 432 of the AXIN2 protein (p.Glu432Gln). The glutamic acid residue is highly conserved and there is a small physicochemical difference between glutamic acid and glutamine.